The following is an entry in ClinVar:

NM_001195305.3(BBIP1):c.91dup (p.Arg31fs)

Gene: BBIP1 (BBSome interacting protein 1; minus strand). Cytogenetic location: 10q25.2.
Variant type: Duplication.
Coding change: c.91dup on transcript NM_001195305.3 (MANE Select); coding-DNA position 91, one base duplicated (C; older notation c.91dupC).
Protein change: p.Arg31fs; shifts the reading frame from arginine 31.
Molecular consequence: frameshift variant. On other transcripts: intron variant (1).
Genome position (GRCh38, 1-based): chr10:110,901,559, G duplicated on the plus strand (C on the coding strand, the reverse complement: BBIP1 is on the minus strand); the first of 2 consecutive G bases (chr10:110,901,559-110,901,560); duplicating either gives the same sequence. VCF-style (leftmost placement, unchanged base first): chr10-110901558-C-CG. GRCh37 (hg19) VCF-style: chr10-112661316-C-CG.
Other names: c.248dup, p.Ser85fs (NM_001195304.2); c.91dup, p.Arg31fs (NM_001195306.2); c.25dup, p.Arg9fs (NM_001243783.3); c.38-1033dup (NM_001195307.2); short protein forms R9fs, S85fs, R31fs.
Identifiers: ClinVar variation 967190 (VCV000967190.7), dbSNP rs1564689870, ClinGen allele CA1139661697.

ClinVar aggregate classification (germline): Uncertain significance (1 of 4 stars; one submission).

Submission:

Labcorp Genetics (formerly Invitae), Labcorp
Classification: Uncertain significance. Last evaluated: 2022-01-06. Review status: criteria provided, single submitter. Criteria: Invitae Variant Classification Sherloc (09022015). Collection method: clinical testing. Allele origin: germline.
Comment: In summary, the available evidence is currently insufficient to determine the role of this variant in disease. Therefore, it has been classified as a Variant of Uncertain Significance. Experimental studies and prediction algorithms are not available or were not evaluated, and the functional significance of this variant is currently unknown. ClinVar contains an entry for this variant (Variation ID: 967190). This variant has not been reported in the literature in individuals affected with BBIP1-related conditions. This variant is not present in population databases (gnomAD no frequency). This sequence change creates a premature translational stop signal (p.Arg31Profs*22) in the BBIP1 gene. While this is not anticipated to result in nonsense mediated decay, it is expected to disrupt the last 62 amino acid(s) of the BBIP1 protein.